The following is an entry in ClinVar:

ClinVar aggregate classification (germline): Uncertain significance (1 of 4 stars; one submission).

gnomAD v4.1: 1 of 1,613,194 alleles (0.000062%); highest among the groups gnomAD compares: South Asian, 0.0011%; no homozygotes.

Submission:

Mayo Clinic Laboratories, Mayo Clinic
Classification: Uncertain significance. Last evaluated: 2025-10-22. Review status: criteria provided, single submitter. Criteria: ACMG Guidelines, 2015. Collection method: clinical testing. Allele origin: germline. Observed: 1 variant allele.
Comment: BP4, PM2_supporting

NM_139027.6(ADAMTS13):c.1129C>G (p.Leu377Val)

Gene: ADAMTS13 (ADAM metallopeptidase with thrombospondin type 1 motif 13; plus strand). Cytogenetic location: 9q34.2.
Variant type: single nucleotide variant.
Coding change: c.1129C>G on transcript NM_139027.6 (MANE Select); coding-DNA position 1129, C replaced by G.
Protein change: p.Leu377Val; replaces leucine 377 with valine.
Molecular consequence: missense variant.
Genome position (GRCh38, 1-based): chr9:133,433,414, C>G. VCF-style: chr9-133433414-C-G. GRCh37 (hg19) VCF-style: chr9-136298534-C-G.
Other names: p.Leu377Val; c.1129C>G, p.Leu377Val (NM_139025.5); c.1036C>G, p.Leu346Val (NM_139026.6); short protein forms L346V, L377V.
Identifiers: ClinVar variation 4541500 (VCV004541500.1).
Genomic context (GRCh38, chr9:133,433,414, plus strand): 5'-GATGAAGCCATCCTTGCCTTGCAGTGGTGCTCCAAGGGTCGCTGCCGCTCCCTGGTGGAG[C>G]TGACCCCCATAGCAGCAGTGCATGGGCGCTGGTCTAGCTGGGGTCCCCGAAGTCCTTGCT-3'
Protein context (NP_620596.2, residues 367-387): SKGRCRSLVE[Leu377Val]TPIAAVHGRW